The following is an entry in ClinVar:

NM_001048174.2(MUTYH):c.961T>C (p.Trp321Arg)

Gene: MUTYH (mutY DNA glycosylase; minus strand). Cytogenetic location: 1p34.1.
Variant type: single nucleotide variant.
Coding change: c.961T>C on transcript NM_001048174.2 (MANE Select); coding-DNA position 961, T replaced by C.
Protein change: p.Trp321Arg; replaces tryptophan 321 with arginine.
Molecular consequence: missense variant. On other transcripts: non-coding transcript variant (7).
Genome position (GRCh38, 1-based): chr1:45,331,802, A>G on the plus strand (T>C on the coding strand, the complement: MUTYH is on the minus strand). VCF-style: chr1-45331802-A-G. GRCh37 (hg19) VCF-style: chr1-45797474-A-G.
Other names: c.1003T>C, p.Trp335Arg (NM_001407085.1, NM_001407083.1); c.964T>C, p.Trp322Arg (NM_001407086.1, NM_001407078.1, NM_001048172.2 and 1 more transcripts); c.982T>C, p.Trp328Arg (NM_001407087.1); c.961T>C, p.Trp321Arg (NM_001407088.1, NM_001407089.1, NM_001407081.1 and 6 more transcripts); c.685T>C, p.Trp229Arg (NM_001407091.1, NM_001293192.2, NM_001293196.2); c.1036T>C, p.Trp346Arg (NM_012222.3); c.922T>C, p.Trp308Arg (NM_001407079.1); c.919T>C, p.Trp307Arg (NM_001407080.1); and 5 more; short protein forms W206R, W349R, W293R, W307R, W322R, W328R, W332R, W336R.
Identifiers: ClinVar variation 4112957 (VCV004112957.1).

ClinVar aggregate classification (germline): Uncertain significance (1 of 4 stars; one submission).

Conditions:
Hereditary cancer-predisposing syndrome. Also called: Tumor predisposition; Neoplastic Syndromes, Hereditary; Hereditary neoplastic syndrome; Hereditary Cancer Syndrome. Identifiers: Orphanet 140162, MedGen C0027672, MeSH D009386, MONDO:0015356.

Submission:

Ambry Genetics
Classification: Uncertain significance for Hereditary cancer-predisposing syndrome. Last evaluated: 2025-08-27. Review status: criteria provided, single submitter. Criteria: Ambry Variant Classification Scheme 2023. Collection method: clinical testing. Allele origin: germline.
Comment: The p.W349R variant (also known as c.1045T>C), located in coding exon 12 of the MUTYH gene, results from a T to C substitution at nucleotide position 1045. The tryptophan at codon 349 is replaced by arginine, an amino acid with dissimilar properties. This amino acid position is conserved. In addition, this alteration is predicted to be deleterious by in silico analysis. Based on the available evidence, the clinical significance of this variant remains unclear.